The following is an entry in ClinVar:

ClinVar aggregate classification (germline): Uncertain significance (1 of 4 stars; one submission).

Allele frequency attached by ClinVar (database versions not stated): ExAC 0.00001; gnomAD exomes 0.00002; TOPMed 0.00002.

Submission:

Labcorp Genetics (formerly Invitae), Labcorp
Classification: Uncertain significance. Last evaluated: 2025-07-01. Review status: criteria provided, single submitter. Criteria: Invitae Variant Classification Sherloc (09022015). Collection method: clinical testing. Allele origin: germline.
Comment: This sequence change replaces arginine, which is basic and polar, with histidine, which is basic and polar, at codon 32 of the TIMM50 protein (p.Arg32His). This variant is present in population databases (rs766619261, gnomAD 0.006%). This variant has not been reported in the literature in individuals affected with TIMM50-related conditions. ClinVar contains an entry for this variant (Variation ID: 2197472). An algorithm developed to predict the effect of missense changes on protein structure and function outputs the following: PolyPhen-2: "Possibly Damaging". The histidine amino acid residue is found in multiple mammalian species, which suggests that this missense change does not adversely affect protein function. In summary, the available evidence is currently insufficient to determine the role of this variant in disease. Therefore, it has been classified as a Variant of Uncertain Significance.

NC_000019.10:g.39480639G>A

Gene: TIMM50 (translocase of inner mitochondrial membrane 50; plus strand). Cytogenetic location: 19q13.2.
Variant type: single nucleotide variant.
Genome position: GRCh38 VCF-style: chr19-39480639-G-A. GRCh37 (hg19) VCF-style: chr19-39971279-G-A.
Identifiers: ClinVar variation 2197472 (VCV002197472.3), dbSNP rs766619261, ClinGen allele CA9431544.